The following is an entry in ClinVar:

ClinVar aggregate classification (germline): Uncertain significance (1 of 4 stars; one submission).

Allele frequency attached by ClinVar (database versions not stated): gnomAD 0.00001; TOPMed 0.00001.
gnomAD v4.1: 26 of 1,613,966 alleles (0.0016%); highest among the groups gnomAD compares: East Asian, 0.0022%; no homozygotes.

Submission:

Labcorp Genetics (formerly Invitae), Labcorp
Classification: Uncertain significance. Last evaluated: 2022-02-08. Review status: criteria provided, single submitter. Criteria: Invitae Variant Classification Sherloc (09022015). Collection method: clinical testing. Allele origin: germline.
Comment: In summary, the available evidence is currently insufficient to determine the role of this variant in disease. Therefore, it has been classified as a Variant of Uncertain Significance. Algorithms developed to predict the effect of missense changes on protein structure and function (SIFT, PolyPhen-2, Align-GVGD) all suggest that this variant is likely to be disruptive. This variant has not been reported in the literature in individuals affected with LAMB1-related conditions. This variant is present in population databases (no rsID available, gnomAD 0.004%). This sequence change replaces alanine, which is neutral and non-polar, with valine, which is neutral and non-polar, at codon 559 of the LAMB1 protein (p.Ala559Val).

NM_002291.3(LAMB1):c.1676C>T (p.Ala559Val)

Gene: LAMB1 (laminin subunit beta 1; minus strand). Cytogenetic location: 7q31.1.
Variant type: single nucleotide variant.
Coding change: c.1676C>T on transcript NM_002291.3 (MANE Select); coding-DNA position 1676, C replaced by T.
Protein change: p.Ala559Val; replaces alanine 559 with valine.
Molecular consequence: missense variant.
Genome position (GRCh38, 1-based): chr7:107,964,574, G>A on the plus strand (C>T on the coding strand, the complement: LAMB1 is on the minus strand). VCF-style: chr7-107964574-G-A. GRCh37 (hg19) VCF-style: chr7-107605019-G-A.
Other names: short protein forms A559V.
Identifiers: ClinVar variation 1961814 (VCV001961814.5), dbSNP rs1417844287, ClinGen allele CA368871860.